The following is an entry in ClinVar:

NM_000018.4(ACADVL):c.1838G>C (p.Arg613Pro)

Gene: ACADVL (acyl-CoA dehydrogenase very long chain; plus strand). Cytogenetic location: 17p13.1.
Variant type: single nucleotide variant.
Coding change: c.1838G>C on transcript NM_000018.4 (MANE Select); coding-DNA position 1838, G replaced by C.
Protein change: p.Arg613Pro; replaces arginine 613 with proline.
Molecular consequence: missense variant.
Genome position (GRCh38, 1-based): chr17:7,224,967, G>C. VCF-style: chr17-7224967-G-C. GRCh37 (hg19) VCF-style: chr17-7128286-G-C.
Other names: c.1772G>C, p.Arg591Pro (NM_001033859.3); c.1907G>C, p.Arg636Pro (NM_001270447.2); c.1610G>C, p.Arg537Pro (NM_001270448.2); short protein forms R537P, R591P, R613P, R636P.
Identifiers: ClinVar variation 2159791 (VCV002159791.11), dbSNP rs534647044, ClinGen allele CA397726005.

ClinVar aggregate classification (germline): Pathogenic. Review status: criteria provided, multiple submitters, no conflicts (2 of 4 stars). 2 submissions from 2 submitters: Pathogenic (2). Last evaluated 2025-04-01.

Conditions:
Very long chain acyl-CoA dehydrogenase deficiency (ACADVLD). Also called: Very Long-Chain Acyl-Coenzyme A Dehydrogenase Deficiency; VLCAD Deficiency. Identifiers: Orphanet 26793, MedGen C3887523, MONDO:0008723, OMIM 201475.

Submissions (2):

CeGaT Center for Human Genetics Tuebingen
Classification: Pathogenic. Last evaluated: 2025-04-01. Review status: criteria provided, single submitter. Criteria: CeGaT Center For Human Genetics Tuebingen Variant Classification Criteria Version 2. Collection method: clinical testing. Allele origin: germline. Affected: yes. Observed: 1 variant allele.
Comment: ACADVL: PM1, PM2, PM3, PM5, PP4:Moderate

Labcorp Genetics (formerly Invitae), Labcorp
Classification: Pathogenic for Very long chain acyl-CoA dehydrogenase deficiency. Last evaluated: 2022-03-17. Review status: criteria provided, single submitter. Criteria: Invitae Variant Classification Sherloc (09022015). Collection method: clinical testing. Allele origin: germline.
Comment: This sequence change replaces arginine, which is basic and polar, with proline, which is neutral and non-polar, at codon 613 of the ACADVL protein (p.Arg613Pro). For these reasons, this variant has been classified as Pathogenic. This variant disrupts the p.Arg613 amino acid residue in ACADVL. Other variant(s) that disrupt this residue have been determined to be pathogenic (PMID: 7479827, 8554073, 10077518, 17374501, 17999356, 19327992). This suggests that this residue is clinically significant, and that variants that disrupt this residue are likely to be disease-causing. Advanced modeling of protein sequence and biophysical properties (such as structural, functional, and spatial information, amino acid conservation, physicochemical variation, residue mobility, and thermodynamic stability) performed at Invitae indicates that this missense variant is expected to disrupt ACADVL protein function. This missense change has been observed in individual(s) with very long chain acyl-CoA dehydrogenase deficiency (PMID: 35281659). This variant is not present in population databases (gnomAD no frequency).

Literature cited by the submitters: PubMed 7479827 (cited by Labcorp Genetics (formerly Invitae), Labcorp); PubMed 8554073 (cited by Labcorp Genetics (formerly Invitae), Labcorp); PubMed 10077518 (cited by Labcorp Genetics (formerly Invitae), Labcorp); PubMed 17374501 (cited by Labcorp Genetics (formerly Invitae), Labcorp); PubMed 17999356 (cited by Labcorp Genetics (formerly Invitae), Labcorp); PubMed 19327992 (cited by Labcorp Genetics (formerly Invitae), Labcorp); PubMed 35281659 (cited by Labcorp Genetics (formerly Invitae), Labcorp).